The following is an entry in ClinVar:

ClinVar aggregate classification (germline): Pathogenic. Review status: criteria provided, multiple submitters, no conflicts (2 of 4 stars). 2 submissions from 2 submitters: Pathogenic (2). Last evaluated 2020-05-13.

Conditions:
Hereditary cancer-predisposing syndrome. Also called: Hereditary Cancer Syndrome; Neoplastic Syndromes, Hereditary; Hereditary neoplastic syndrome; Tumor predisposition. Identifiers: Orphanet 140162, MedGen C0027672, MeSH D009386, MONDO:0015356.
Familial adenomatous polyposis 1 (FAP1). Also called: FAMILIAL ADENOMATOUS POLYPOSIS 1, ATTENUATED; POLYPOSIS, ADENOMATOUS INTESTINAL. Identifiers: MedGen C2713442, MONDO:0021056, OMIM 175100. Disease mechanism: loss of function.

Submissions (2):

Labcorp Genetics (formerly Invitae), Labcorp
Classification: Pathogenic for Familial adenomatous polyposis 1. Last evaluated: 2020-05-13. Review status: criteria provided, single submitter. Criteria: Invitae Variant Classification Sherloc (09022015). Collection method: clinical testing. Allele origin: germline.
Comment: This sequence change results in a premature translational stop signal in the APC gene (p.Ser1631Valfs*19). While this is not anticipated to result in nonsense mediated decay, it is expected to disrupt the last 1213 amino acids of the APC protein. A different truncation (p.Tyr2645Lysfs*14) that lies downstream of this variant has been determined to be pathogenic (PMID: 9824584, 1316610, 27081525, 8381579, 22135120, Invitae). This suggests that deletion of this region of the APC protein is causative of disease. For these reasons, this variant has been classified as Pathogenic. This variant is expected to disrupt the EB1 and HDLG binding sites, which mediate interactions with the cytoskeleton (PMID: 15311282, 17293347). While functional studies have not been performed to directly test the effect on APC protein function, this suggests that disruption of the C-terminal portion of the protein is functionally important. This variant has not been reported in the literature in individuals with APC-related conditions. ClinVar contains an entry for this variant (Variation ID: 428170). This variant is not present in population databases (ExAC no frequency).

Ambry Genetics
Classification: Pathogenic for Hereditary cancer-predisposing syndrome. Last evaluated: 2016-08-01. Review status: criteria provided, single submitter. Criteria: Ambry Variant Classification Scheme 2023. Collection method: clinical testing. Allele origin: germline.
Comment: The c.4890delT pathogenic mutation, located in coding exon 15 of the APC gene, results from a deletion of one nucleotide at nucleotide position 4890, causing a translational frameshift with a predicted alternate stop codon. This alteration is expected to result in loss of function by premature protein truncation. As such, this alteration is interpreted as a disease-causing mutation.

Literature cited by the submitters: PubMed 9824584 (cited by Labcorp Genetics (formerly Invitae), Labcorp); PubMed 1316610 (cited by Labcorp Genetics (formerly Invitae), Labcorp); PubMed 27081525 (cited by Labcorp Genetics (formerly Invitae), Labcorp); PubMed 8381579 (cited by Labcorp Genetics (formerly Invitae), Labcorp); PubMed 22135120 (cited by Labcorp Genetics (formerly Invitae), Labcorp); PubMed 15311282 (cited by Labcorp Genetics (formerly Invitae), Labcorp); PubMed 17293347 (cited by Labcorp Genetics (formerly Invitae), Labcorp).

NM_000038.6(APC):c.4890del (p.Ser1631fs)

Gene: APC (APC regulator of Wnt signaling pathway; plus strand). Cytogenetic location: 5q22.2.
Variant type: Deletion.
Coding change: c.4890del on transcript NM_000038.6 (MANE Select); coding-DNA position 4890, one base deleted (T; older notation c.4890delT).
Protein change: p.Ser1631fs; shifts the reading frame from serine 1631.
Molecular consequence: frameshift variant.
Genome position (GRCh38, 1-based): chr5:112,840,484, T deleted; the last of 2 consecutive T bases (chr5:112,840,483-112,840,484); deleting either gives the same sequence. VCF-style (leftmost placement, unchanged base first): chr5-112840482-GT-G. GRCh37 (hg19) VCF-style: chr5-112176179-GT-G.
Other names: c.4836del, p.Ser1613fs (NM_001127511.3); c.4890del, p.Ser1631fs (NM_001127510.3, NM_001354895.2); c.4944del, p.Ser1649fs (NM_001354896.2); c.4920del, p.Ser1641fs (NM_001354897.2); c.4815del, p.Ser1606fs (NM_001354898.2); c.4806del, p.Ser1603fs (NM_001354899.2); c.4767del, p.Ser1590fs (NM_001354900.2); c.4713del, p.Ser1572fs (NM_001354901.2); and 5 more; short protein forms S1606fs, S1631fs, S1641fs, S1348fs, S1505fs, S1530fs, S1540fs, S1572fs.
Identifiers: ClinVar variation 428170 (VCV000428170.15), dbSNP rs1114167606, ClinGen allele CA645369375.
Genomic context (GRCh38, chr5:112,840,482, plus strand): 5'-AGTCAGCTGCCTGTGTACAAACTTCTACCATCACAAAACAGGTTGCAACCCCAAAAGCAT[GT>G]TAGTTTTACACCGGGGGATGATATGCCACGGGTGTATTGTGTTGAAGGGACACCTATAAA-3'